The following is an entry in ClinVar:

NM_020738.4(KIDINS220):c.1419T>C (p.Ser473=)

Gene: KIDINS220 (kinase D interacting substrate 220; minus strand). Cytogenetic location: 2p25.1.
Variant type: single nucleotide variant.
Coding change: c.1419T>C on transcript NM_020738.4 (MANE Select); coding-DNA position 1419, T replaced by C.
Protein change: p.Ser473=; no amino-acid change (serine 473 retained).
Molecular consequence: synonymous variant. On other transcripts: non-coding transcript variant (2).
Genome position (GRCh38, 1-based): chr2:8,791,082, A>G on the plus strand (T>C on the coding strand, the complement: KIDINS220 is on the minus strand). VCF-style: chr2-8791082-A-G. GRCh37 (hg19) VCF-style: chr2-8931212-A-G.
Other names: c.1422T>C, p.Ser474= (NM_001348729.2, NM_001348731.2, NM_001348734.2 and 3 more transcripts); c.1419T>C, p.Ser473= (NM_001348732.2, NM_001348735.2, NM_001348738.2 and 3 more transcripts); c.1293T>C, p.Ser431= (NM_001348736.2).
Identifiers: ClinVar variation 4984916 (VCV004984916.1).

ClinVar aggregate classification (germline): Likely benign (1 of 4 stars; one submission).

Conditions:
KIDINS220-related disorder. Also called: KIDINS220-related condition.

gnomAD v4.1: 20 of 1,613,438 alleles (0.0012%); highest among the groups gnomAD compares: Non-Finnish European, 0.0017%; no homozygotes.

Submission:

PreventionGenetics, part of Exact Sciences
Classification: Likely benign for KIDINS220-related condition. Last evaluated: 2025-05-29. Review status: criteria provided, single submitter. Criteria: ACMG Guidelines, 2015. Collection method: clinical testing. Allele origin: germline.
Comment: This variant is classified as likely benign based on ACMG/AMP sequence variant interpretation guidelines (Richards et al. 2015 PMID: 25741868, with internal and published modifications).